The following is an entry in ClinVar:

NM_000256.3(MYBPC3):c.1345G>C (p.Val449Leu)

Gene: MYBPC3 (myosin binding protein C3; minus strand). Cytogenetic location: 11p11.2.
Variant type: single nucleotide variant.
Coding change: c.1345G>C on transcript NM_000256.3 (MANE Select); coding-DNA position 1345, G replaced by C.
Protein change: p.Val449Leu; replaces valine 449 with leucine.
Molecular consequence: missense variant.
Genome position (GRCh38, 1-based): chr11:47,343,027, C>G on the plus strand (G>C on the coding strand, the complement: MYBPC3 is on the minus strand). VCF-style: chr11-47343027-C-G. GRCh37 (hg19) VCF-style: chr11-47364578-C-G.
Other names: short protein forms V449L.
Identifiers: ClinVar variation 2159025 (VCV002159025.5), dbSNP rs2495763983, ClinGen allele CA380326707.

ClinVar aggregate classification (germline): Uncertain significance. Review status: criteria provided, multiple submitters, no conflicts (2 of 4 stars). 2 submissions from 2 submitters: Uncertain significance (2). Last evaluated 2025-09-05.

Conditions:
Hypertrophic cardiomyopathy. Also called: HYPERTROPHIC MYOCARDIOPATHY. Identifiers: Orphanet 217569, MedGen C0007194, MeSH D002312, MONDO:0005045, HP:0001639.
Cardiovascular phenotype. Identifiers: MedGen CN230736.

Allele frequency attached by ClinVar (database versions not stated): gnomAD exomes below 0.00001.
gnomAD v4.1: 1 of 1,613,316 alleles (0.000062%); highest among the groups gnomAD compares: Non-Finnish European, 0.000085%; no homozygotes.

Submissions (2):

Labcorp Genetics (formerly Invitae), Labcorp
Classification: Uncertain significance for Hypertrophic cardiomyopathy. Last evaluated: 2025-09-05. Review status: criteria provided, single submitter. Criteria: Invitae Variant Classification Sherloc (09022015). Collection method: clinical testing. Allele origin: germline.
Comment: This sequence change replaces valine, which is neutral and non-polar, with leucine, which is neutral and non-polar, at codon 449 of the MYBPC3 protein (p.Val449Leu). This variant is not present in population databases (gnomAD no frequency). This variant has not been reported in the literature in individuals affected with MYBPC3-related conditions. ClinVar contains an entry for this variant (Variation ID: 2159025). An algorithm developed to predict the effect of missense changes on protein structure and function (PolyPhen-2) suggests that this variant is likely to be tolerated. In summary, the available evidence is currently insufficient to determine the role of this variant in disease. Therefore, it has been classified as a Variant of Uncertain Significance.

Ambry Genetics
Classification: Uncertain significance for Cardiovascular phenotype. Last evaluated: 2025-08-06. Review status: criteria provided, single submitter. Criteria: Ambry Variant Classification Scheme 2023. Collection method: clinical testing. Allele origin: germline.
Comment: The p.V449L variant (also known as c.1345G>C), located in coding exon 15 of the MYBPC3 gene, results from a G to C substitution at nucleotide position 1345. The valine at codon 449 is replaced by leucine, an amino acid with highly similar properties. This amino acid position is conserved. In addition, the in silico prediction for this alteration is inconclusive. Based on the available evidence, the clinical significance of this variant remains unclear.